The following is an entry in ClinVar:

NM_033409.4(SLC52A3):c.599C>T (p.Pro200Leu)

Gene: SLC52A3 (solute carrier family 52 member 3; minus strand). Cytogenetic location: 20p13.
Variant type: single nucleotide variant.
Coding change: c.599C>T on transcript NM_033409.4 (MANE Select); coding-DNA position 599, C replaced by T.
Protein change: p.Pro200Leu; replaces proline 200 with leucine.
Molecular consequence: missense variant.
Genome position (GRCh38, 1-based): chr20:763,972, G>A on the plus strand (C>T on the coding strand, the complement: SLC52A3 is on the minus strand). VCF-style: chr20-763972-G-A. GRCh37 (hg19) VCF-style: chr20-744616-G-A.
Other names: c.599C>T, p.Pro200Leu (NM_001370085.1, NM_001370086.1); short protein forms P200L.
Identifiers: ClinVar variation 1405515 (VCV001405515.6), dbSNP rs1392216140, ClinGen allele CA407963498.

ClinVar aggregate classification (germline): Uncertain significance (1 of 4 stars; one submission).

Conditions:
Brown-Vialetto-van Laere syndrome 1. Also called: BROWN-VIALETTO-VAN LAERE SYNDROME 1, MILD; BULBAR PALSY, PROGRESSIVE, WITH SENSORINEURAL DEAFNESS; PONTOBULBAR PALSY WITH DEAFNESS. Identifiers: Orphanet 572550, Orphanet 97229, MedGen C0796274, MONDO:0024537, OMIM 211530.

Allele frequency attached by ClinVar (database versions not stated): gnomAD exomes 0.00001; TOPMed 0.00001.
gnomAD v4.1: 4 of 1,599,200 alleles (0.00025%); highest among the groups gnomAD compares: Admixed American, 0.0018%; no homozygotes.

Submission:

Labcorp Genetics (formerly Invitae), Labcorp
Classification: Uncertain significance for Brown-Vialetto-van Laere syndrome 1. Last evaluated: 2022-06-13. Review status: criteria provided, single submitter. Criteria: Invitae Variant Classification Sherloc (09022015). Collection method: clinical testing. Allele origin: germline.
Comment: In summary, the available evidence is currently insufficient to determine the role of this variant in disease. Therefore, it has been classified as a Variant of Uncertain Significance. Algorithms developed to predict the effect of missense changes on protein structure and function (SIFT, PolyPhen-2, Align-GVGD) all suggest that this variant is likely to be tolerated. This variant has not been reported in the literature in individuals affected with SLC52A3-related conditions. This variant is present in population databases (no rsID available, gnomAD 0.002%). This sequence change replaces proline, which is neutral and non-polar, with leucine, which is neutral and non-polar, at codon 200 of the SLC52A3 protein (p.Pro200Leu).